The following is an entry in ClinVar:

ClinVar aggregate classification (germline): Uncertain significance (1 of 4 stars; one submission).

Allele frequency attached by ClinVar (database versions not stated): gnomAD exomes below 0.00001.
gnomAD v4.1: 1 of 1,613,448 alleles (0.000062%); highest among the groups gnomAD compares: Non-Finnish European, 0.000085%; no homozygotes.

Submission:

Labcorp Genetics (formerly Invitae), Labcorp
Classification: Uncertain significance. Last evaluated: 2022-07-14. Review status: criteria provided, single submitter. Criteria: Invitae Variant Classification Sherloc (09022015). Collection method: clinical testing. Allele origin: germline.
Comment: This sequence change replaces leucine, which is neutral and non-polar, with phenylalanine, which is neutral and non-polar, at codon 108 of the TRAF3IP1 protein (p.Leu108Phe). In summary, the available evidence is currently insufficient to determine the role of this variant in disease. Therefore, it has been classified as a Variant of Uncertain Significance. Algorithms developed to predict the effect of missense changes on protein structure and function are either unavailable or do not agree on the potential impact of this missense change (SIFT: "Deleterious"; PolyPhen-2: "Probably Damaging"; Align-GVGD: "Class C15"). This variant has not been reported in the literature in individuals affected with TRAF3IP1-related conditions. This variant is not present in population databases (gnomAD no frequency).

NM_015650.4(TRAF3IP1):c.322C>T (p.Leu108Phe)

Gene: TRAF3IP1 (TRAF3 interacting protein 1; plus strand). Cytogenetic location: 2q37.3.
Variant type: single nucleotide variant.
Coding change: c.322C>T on transcript NM_015650.4 (MANE Select); coding-DNA position 322, C replaced by T.
Protein change: p.Leu108Phe; replaces leucine 108 with phenylalanine.
Molecular consequence: missense variant.
Genome position (GRCh38, 1-based): chr2:238,325,938, C>T. VCF-style: chr2-238325938-C-T. GRCh37 (hg19) VCF-style: chr2-239234579-C-T.
Other names: c.322C>T, p.Leu108Phe (NM_001139490.1); short protein forms L108F.
Identifiers: ClinVar variation 1901400 (VCV001901400.5), dbSNP rs2469604266, ClinGen allele CA351242581.